The following is an entry in ClinVar:

NM_001378778.1(MPDZ):c.5993del (p.Gly1998fs)

Gene: MPDZ (multiple PDZ domain crumbs cell polarity complex component; minus strand). Cytogenetic location: 9p23.
Variant type: Deletion.
Coding change: c.5993del on transcript NM_001378778.1 (MANE Select); coding-DNA position 5993, one base deleted (G; older notation c.5993delG).
Protein change: p.Gly1998fs; shifts the reading frame from glycine 1998.
Molecular consequence: frameshift variant.
Genome position (GRCh38, 1-based): chr9:13,109,009, C deleted on the plus strand (G on the coding strand, the reverse complement: MPDZ is on the minus strand); the first of 2 consecutive C bases (chr9:13,109,009-13,109,010); deleting either gives the same sequence. VCF-style (leftmost placement, unchanged base first): chr9-13109008-GC-G. GRCh37 (hg19) VCF-style: chr9-13109007-GC-G.
Other names: c.5894del, p.Gly1965fs (NM_001261406.2, NM_001375416.1, NM_001375417.1 and 1 more transcripts); c.5807del, p.Gly1936fs (NM_001261407.2, NM_001375419.1); c.5993del, p.Gly1998fs (NM_001330637.2); c.6092del, p.Gly2031fs (NM_001375413.1); c.5783del, p.Gly1928fs (NM_001375420.1, NM_001375421.1, NM_001375422.1 and 2 more transcripts); c.5696del, p.Gly1899fs (NM_001375425.1, NM_001375426.1); c.5585del, p.Gly1862fs (NM_001375427.1); c.5906del, p.Gly1969fs (NM_003829.5); short protein forms G1862fs, G1998fs, G1899fs, G1969fs, G1928fs, G1936fs, G1965fs, G2031fs.
Identifiers: ClinVar variation 1909200 (VCV001909200.5), dbSNP rs751938101, ClinGen allele CA4986001.

ClinVar aggregate classification (germline): Pathogenic (1 of 4 stars; one submission).

Submission:

Labcorp Genetics (formerly Invitae), Labcorp
Classification: Pathogenic. Last evaluated: 2025-03-17. Review status: criteria provided, single submitter. Criteria: Invitae Variant Classification Sherloc (09022015). Collection method: clinical testing. Allele origin: germline.
Comment: This sequence change creates a premature translational stop signal (p.Gly1969Alafs*4) in the MPDZ gene. It is expected to result in an absent or disrupted protein product. Loss-of-function variants in MPDZ are known to be pathogenic (PMID: 23240096, 28556411). This variant is present in population databases (rs751938101, gnomAD 0.002%). This variant has not been reported in the literature in individuals affected with MPDZ-related conditions. ClinVar contains an entry for this variant (Variation ID: 1909200). For these reasons, this variant has been classified as Pathogenic.

Literature cited by the submitters: PubMed 23240096; PubMed 28556411.